The following is an entry in ClinVar:

NM_000179.3(MSH6):c.2898C>G (p.Thr966=)

Gene: MSH6 (mutS homolog 6; plus strand). Cytogenetic location: 2p16.3.
Variant type: single nucleotide variant.
Coding change: c.2898C>G on transcript NM_000179.3 (MANE Select); coding-DNA position 2898, C replaced by G.
Protein change: p.Thr966=; no amino-acid change (threonine 966 retained).
Molecular consequence: synonymous variant.
Genome position (GRCh38, 1-based): chr2:47,800,881, C>G. VCF-style: chr2-47800881-C-G. GRCh37 (hg19) VCF-style: chr2-48028020-C-G.
Other names: c.2508C>G, p.Thr836= (NM_001281492.2); c.1992C>G, p.Thr664= (NM_001281493.2, NM_001281494.2).
Identifiers: ClinVar variation 455225 (VCV000455225.14), dbSNP rs772786755, ClinGen allele CA426122010.
Genomic context (GRCh38, chr2:47,800,881, plus strand): 5'-AAATGAACAGAGCCTCCTGGAATACCTAGAGAAACAGCGCAACAGAATTGGCTGTAGGAC[C>G]ATAGTCTATTGGGGGATTGGTAGGAACCGTTACCAGCTGGAAATTCCTGAGAATTTCACC-3'
Protein context (NP_000170.1, residues 956-976): EKQRNRIGCR[Thr966=]IVYWGIGRNR

ClinVar aggregate classification (germline): Benign/Likely benign. Review status: criteria provided, multiple submitters, no conflicts (2 of 4 stars). 6 submissions from 6 submitters: Benign (1); Likely benign (5). Last evaluated 2025-05-07.

Conditions:
Hereditary nonpolyposis colorectal neoplasms. Identifiers: MedGen C0009405, MeSH D003123.
Hereditary cancer-predisposing syndrome. Also called: Hereditary Cancer Syndrome; Hereditary neoplastic syndrome; Neoplastic Syndromes, Hereditary; Tumor predisposition. Identifiers: Orphanet 140162, MedGen C0027672, MeSH D009386, MONDO:0015356.
Lynch syndrome 5 (LYNCH5). Also called: Hereditary non-polyposis colorectal cancer, type 5; Colorectal cancer, hereditary nonpolyposis, type 5. Identifiers: Orphanet 144, MedGen C1833477, MONDO:0013710, OMIM 614350. Disease mechanism: loss of function.

Submissions (6):

Institute for Biomarker Research, Medical Diagnostic Laboratories, L.L.C.
Classification: Likely benign for Hereditary cancer-predisposing syndrome. Last evaluated: 2025-05-07. Review status: criteria provided, single submitter. Criteria: ACMG Guidelines, 2015. Collection method: clinical testing. Allele origin: germline.
Comment: The synonymous variant NM_000179.3(MSH6):c.2898C>G (p.Thr966=) has been reported to ClinVar as Likely benign with a status of (2 stars) criteria provided, multiple submitters, no conflicts (Variation ID 455225 as of 2025-04-03). The p.Thr966= variant is not predicted to disrupt an existing splice site. The p.Thr966= variant results in a substitution of a base that is not predicted conserved by GERP++ and PhyloP. For these reasons, this variant has been classified as Likely Benign.

Labcorp Genetics (formerly Invitae), Labcorp
Classification: Likely benign for Hereditary nonpolyposis colorectal neoplasms. Last evaluated: 2025-04-14. Review status: criteria provided, single submitter. Criteria: Invitae Variant Classification Sherloc (09022015). Collection method: clinical testing. Allele origin: germline.

Myriad Genetics, Inc.
Classification: Benign for Lynch syndrome 5. Last evaluated: 2025-01-02. Review status: criteria provided, single submitter. Criteria: Myriad Autosomal Dominant, Autosomal Recessive and X-Linked Classification Criteria (2023). Collection method: clinical testing. Allele origin: unknown.
Comment: This variant is considered benign. This variant is a silent/synonymous amino acid change and it is not expected to impact splicing.

Color Diagnostics, LLC DBA Color Health
Classification: Likely benign for Hereditary cancer-predisposing syndrome. Last evaluated: 2024-08-12. Review status: criteria provided, single submitter. Criteria: ACMG Guidelines, 2015. Collection method: clinical testing. Allele origin: germline.

Ambry Genetics
Classification: Likely benign for Hereditary cancer-predisposing syndrome. Last evaluated: 2022-10-12. Review status: criteria provided, single submitter. Criteria: Ambry Variant Classification Scheme 2023. Collection method: clinical testing. Allele origin: germline.

GeneDx
Classification: Likely benign. Last evaluated: 2017-03-11. Review status: criteria provided, single submitter. Criteria: GeneDx Variant Classification (06012015). Collection method: clinical testing. Allele origin: germline. Affected: yes.
Comment: This variant is considered likely benign or benign based on one or more of the following criteria: it is a conservative change, it occurs at a poorly conserved position in the protein, it is predicted to be benign by multiple in silico algorithms, and/or has population frequency not consistent with disease.